The following is an entry in ClinVar:

NM_000264.5(PTCH1):c.2802T>G (p.Tyr934Ter)

Gene: PTCH1 (patched 1; minus strand). Cytogenetic location: 9q22.32.
Variant type: single nucleotide variant.
Coding change: c.2802T>G on transcript NM_000264.5 (MANE Select); coding-DNA position 2802, T replaced by G.
Protein change: p.Tyr934Ter; replaces tyrosine 934 with a stop codon.
Molecular consequence: nonsense. On other transcripts: non-coding transcript variant (1).
Genome position (GRCh38, 1-based): chr9:95,459,685, A>C on the plus strand (T>G on the coding strand, the complement: PTCH1 is on the minus strand). VCF-style: chr9-95459685-A-C. GRCh37 (hg19) VCF-style: chr9-98221967-A-C.
Other names: c.2604T>G, p.Tyr868Ter (NM_001083602.3); c.2799T>G, p.Tyr933Ter (NM_001083603.3); c.2349T>G, p.Tyr783Ter (NM_001083604.3, NM_001083605.3, NM_001083606.3 and 1 more transcripts); c.2646T>G, p.Tyr882Ter (NM_001354918.2); short protein forms Y868*, Y934*, Y882*, Y933*, Y783*.
Identifiers: ClinVar variation 582760 (VCV000582760.7), dbSNP rs1356231878, ClinGen allele CA374113048.

ClinVar aggregate classification (germline): Pathogenic (1 of 4 stars; one submission).

Conditions:
Gorlin syndrome. Also called: Basal cell nevus syndrome; Nevoid Basal Cell Carcinoma Syndrome. Identifiers: Orphanet 377, MedGen C0004779, MONDO:0007187.

Submission:

Labcorp Genetics (formerly Invitae), Labcorp
Classification: Pathogenic for Gorlin syndrome. Last evaluated: 2018-04-29. Review status: criteria provided, single submitter. Criteria: Invitae Variant Classification Sherloc (09022015). Collection method: clinical testing. Allele origin: germline.
Comment: For these reasons, this variant has been classified as Pathogenic. Loss-of-function variants in PTCH1 are known to be pathogenic (PMID: 16301862, 16419085). This variant has not been reported in the literature in individuals with PTCH1-related disease. This variant is not present in population databases (ExAC no frequency). This sequence change creates a premature translational stop signal (p.Tyr934*) in the PTCH1 gene. It is expected to result in an absent or disrupted protein product.

Literature cited by the submitters: PubMed 16301862; PubMed 16419085.